The following is an entry in ClinVar:

ClinVar aggregate classification (germline): Uncertain significance. Review status: criteria provided, multiple submitters, no conflicts (2 of 4 stars). 2 submissions from 2 submitters: Uncertain significance (2). Last evaluated 2024-07-31.

Allele frequency attached by ClinVar (database versions not stated): gnomAD exomes 0.00004 and 0.00001; gnomAD 0.00009 and 0.00008; ExAC 0.00003; TOPMed 0.00008.
gnomAD v4.1: 21 of 1,614,016 alleles (0.0013%); highest among the groups gnomAD compares: African/African-American, 0.019%; no homozygotes.

Submissions (2):

Labcorp Genetics (formerly Invitae), Labcorp
Classification: Uncertain significance. Last evaluated: 2024-07-31. Review status: criteria provided, single submitter. Criteria: Invitae Variant Classification Sherloc (09022015). Collection method: clinical testing. Allele origin: germline.
Comment: This sequence change replaces isoleucine, which is neutral and non-polar, with threonine, which is neutral and polar, at codon 58 of the AFG3L2 protein (p.Ile58Thr). This variant is present in population databases (rs779882681, gnomAD 0.03%). This variant has not been reported in the literature in individuals affected with AFG3L2-related conditions. ClinVar contains an entry for this variant (Variation ID: 1702815). Advanced modeling of protein sequence and biophysical properties (such as structural, functional, and spatial information, amino acid conservation, physicochemical variation, residue mobility, and thermodynamic stability) performed at Invitae indicates that this missense variant is not expected to disrupt AFG3L2 protein function with a negative predictive value of 95%. In summary, the available evidence is currently insufficient to determine the role of this variant in disease. Therefore, it has been classified as a Variant of Uncertain Significance.

GeneDx
Classification: Uncertain significance. Last evaluated: 2022-02-18. Review status: criteria provided, single submitter. Criteria: GeneDx Variant Classification Process June 2021. Collection method: clinical testing. Allele origin: germline. Affected: yes.
Comment: In silico analysis supports that this missense variant does not alter protein structure/function; Has not been previously published as pathogenic or benign to our knowledge

NM_006796.3(AFG3L2):c.173T>C (p.Ile58Thr)

Gene: AFG3L2 (AFG3 like matrix AAA peptidase subunit 2; minus strand). Cytogenetic location: 18p11.21.
Variant type: single nucleotide variant.
Coding change: c.173T>C on transcript NM_006796.3 (MANE Select); coding-DNA position 173, T replaced by C.
Protein change: p.Ile58Thr; replaces isoleucine 58 with threonine.
Molecular consequence: missense variant.
Genome position (GRCh38, 1-based): chr18:12,371,633, A>G on the plus strand (T>C on the coding strand, the complement: AFG3L2 is on the minus strand). VCF-style: chr18-12371633-A-G. GRCh37 (hg19) VCF-style: chr18-12371632-A-G.
Other names: short protein forms I58T.
Identifiers: ClinVar variation 1702815 (VCV001702815.7), dbSNP rs779882681, ClinGen allele CA8896832.
Genomic context (GRCh38, chr18:12,371,633, plus strand): 5'-GCCACACCTAAGCATTTACCTTTTGGGGGTCGAGAACAGAATCTTTGATAAGCAGCAATT[A>G]TATCTGTCAAAAGAGAATTTCTGCTGGCCCTTGCTTGAGTTGTAACAAATCGGTAAAGCT-3'
Protein context (NP_006787.2, residues 48-68): RASRNSLLTD[Ile58Thr]IAAYQRFCSR